The following is an entry in ClinVar:

ClinVar aggregate classification (germline): Uncertain significance (1 of 4 stars; one submission).

Submission:

Labcorp Genetics (formerly Invitae), Labcorp
Classification: Uncertain significance. Last evaluated: 2024-09-27. Review status: criteria provided, single submitter. Criteria: Invitae Variant Classification Sherloc (09022015). Collection method: clinical testing. Allele origin: germline.
Comment: This sequence change replaces alanine, which is neutral and non-polar, with valine, which is neutral and non-polar, at codon 268 of the CNOT1 protein (p.Ala268Val). This variant is not present in population databases (gnomAD no frequency). This variant has not been reported in the literature in individuals affected with CNOT1-related conditions. An algorithm developed to predict the effect of missense changes on protein structure and function (PolyPhen-2) suggests that this variant is likely to be tolerated. In summary, the available evidence is currently insufficient to determine the role of this variant in disease. Therefore, it has been classified as a Variant of Uncertain Significance.

NM_016284.5(CNOT1):c.803C>T (p.Ala268Val)

Gene: CNOT1 (CCR4-NOT transcription complex subunit 1; minus strand). Cytogenetic location: 16q21.
Variant type: single nucleotide variant.
Coding change: c.803C>T on transcript NM_016284.5 (MANE Select); coding-DNA position 803, C replaced by T.
Protein change: p.Ala268Val; replaces alanine 268 with valine.
Molecular consequence: missense variant. On other transcripts: non-coding transcript variant (1).
Genome position (GRCh38, 1-based): chr16:58,585,341, G>A on the plus strand (C>T on the coding strand, the complement: CNOT1 is on the minus strand). VCF-style: chr16-58585341-G-A. GRCh37 (hg19) VCF-style: chr16-58619245-G-A.
Other names: c.803C>T, p.Ala268Val (NM_001265612.2, NM_206999.3); short protein forms A268V.
Identifiers: ClinVar variation 3662195 (VCV003662195.2).
Genomic context (GRCh38, chr16:58,585,341, plus strand): 5'-AATTACATCATGTTTGGCACAAGAATAATCAGAAGCTTAACACATTTTACTACCAACCTT[G>A]CACAAAAGCCATAGCCTACTTCTTGCATGAAATCAGCCAAAGAGCTCTCCATCATGGTTT-3'
Protein context (NP_057368.3, residues 258-278): FMQEVGYGFC[Ala268Val]SIEECRNIIV